The following is an entry in ClinVar:

NM_001130823.3(DNMT1):c.1040A>G (p.Glu347Gly)

Gene: DNMT1 (DNA methyltransferase 1; minus strand). Cytogenetic location: 19p13.2.
Variant type: single nucleotide variant.
Coding change: c.1040A>G on transcript NM_001130823.3 (MANE Select); coding-DNA position 1040, A replaced by G.
Protein change: p.Glu347Gly; replaces glutamic acid 347 with glycine.
Molecular consequence: missense variant.
Genome position (GRCh38, 1-based): chr19:10,160,387, T>C on the plus strand (A>G on the coding strand, the complement: DNMT1 is on the minus strand). VCF-style: chr19-10160387-T-C. GRCh37 (hg19) VCF-style: chr19-10271063-T-C.
Other names: c.992A>G, p.Glu331Gly (NM_001318730.2, NM_001379.4); c.677A>G, p.Glu226Gly (NM_001318731.2); short protein forms E226G, E331G, E347G.
Identifiers: ClinVar variation 4686053 (VCV004686053.1).

ClinVar aggregate classification (germline): Uncertain significance (1 of 4 stars; one submission).

Submission:

ARUP Laboratories, Molecular Genetics and Genomics, ARUP Laboratories
Classification: Uncertain significance. Review status: criteria provided, single submitter. Criteria: ARUP Molecular Germline Variant Investigation Process 2024. Collection method: clinical testing. Allele origin: germline.
Comment: The c.1040A>G; p.Glu347Gly variant, to our knowledge, has not been reported in the medical literature or gene specific databases. Based on the available information, the clinical significance of this variant is uncertain.